The following is an entry in ClinVar:

NM_001079.4(ZAP70):c.1018G>A (p.Ala340Thr)

Gene: ZAP70 (zeta chain of T cell receptor associated protein kinase 70; plus strand). Cytogenetic location: 2q11.2.
Variant type: single nucleotide variant.
Coding change: c.1018G>A on transcript NM_001079.4 (MANE Select); coding-DNA position 1018, G replaced by A.
Protein change: p.Ala340Thr; replaces alanine 340 with threonine.
Molecular consequence: missense variant.
Genome position (GRCh38, 1-based): chr2:97,734,648, G>A. VCF-style: chr2-97734648-G-A. GRCh37 (hg19) VCF-style: chr2-98351111-G-A.
Other names: c.1018G>A, p.Ala340Thr (NM_001378594.1); c.97G>A, p.Ala33Thr (NM_207519.2); short protein forms A33T, A340T.
Identifiers: ClinVar variation 640510 (VCV000640510.6), dbSNP rs1559327232, ClinGen allele CA347800597.

ClinVar aggregate classification (germline): Uncertain significance. Review status: criteria provided, multiple submitters, no conflicts (2 of 4 stars). 2 submissions from 2 submitters: Uncertain significance (2). Last evaluated 2025-02-08.

Conditions:
Combined immunodeficiency due to ZAP70 deficiency (IMD48). Also called: Immunodeficiency 48; ZAP70 Deficiency. Identifiers: Orphanet 911, MedGen C2931299, MONDO:0010023, OMIM 269840.
Inborn genetic diseases. Identifiers: MedGen C0950123, MeSH D030342.

Allele frequency attached by ClinVar (database versions not stated): TOPMed below 0.00001; gnomAD exomes 0.00001.
gnomAD v4.1: 10 of 1,614,210 alleles (0.00062%); highest among the groups gnomAD compares: Non-Finnish European, 0.00085%; no homozygotes.

Submissions (2):

Ambry Genetics
Classification: Uncertain significance for Inborn genetic diseases. Last evaluated: 2025-02-08. Review status: criteria provided, single submitter. Criteria: Ambry Variant Classification Scheme 2023. Collection method: clinical testing. Allele origin: germline.

Labcorp Genetics (formerly Invitae), Labcorp
Classification: Uncertain significance for Combined immunodeficiency due to ZAP70 deficiency. Last evaluated: 2018-11-30. Review status: criteria provided, single submitter. Criteria: Invitae Variant Classification Sherloc (09022015). Collection method: clinical testing. Allele origin: germline.
Comment: In summary, the available evidence is currently insufficient to determine the role of this variant in disease. Therefore, it has been classified as a Variant of Uncertain Significance. Algorithms developed to predict the effect of missense changes on protein structure and function are either unavailable or do not agree on the potential impact of this missense change (SIFT: "Tolerated"; PolyPhen-2: "Possibly Damaging"; Align-GVGD: "Class C0"). This variant has not been reported in the literature in individuals with ZAP70-related conditions. This variant is not present in population databases (ExAC no frequency). This sequence change replaces alanine with threonine at codon 340 of the ZAP70 protein (p.Ala340Thr). The alanine residue is weakly conserved and there is a small physicochemical difference between alanine and threonine.